The following is an entry in ClinVar:

NM_003640.5(ELP1):c.1573dup (p.Arg525fs)

Gene: ELP1 (elongator acetyltransferase complex subunit 1; minus strand). Cytogenetic location: 9q31.3.
Variant type: Duplication.
Coding change: c.1573dup on transcript NM_003640.5 (MANE Select); coding-DNA position 1573, one base duplicated (C; older notation c.1573dupC).
Protein change: p.Arg525fs; shifts the reading frame from arginine 525.
Molecular consequence: frameshift variant.
Genome position (GRCh38, 1-based): chr9:108,906,373, G duplicated on the plus strand (C on the coding strand, the reverse complement: ELP1 is on the minus strand); the first of 5 consecutive G bases (chr9:108,906,373-108,906,377); duplicating any one gives the same sequence. VCF-style (leftmost placement, unchanged base first): chr9-108906372-C-CG. GRCh37 (hg19) VCF-style: chr9-111668652-C-CG.
Other names: c.1231dup, p.Arg411fs (NM_001318360.2); c.526dup, p.Arg176fs (NM_001330749.2); short protein forms R176fs, R411fs, R525fs.
Identifiers: ClinVar variation 4815176 (VCV004815176.1).
Genomic context (GRCh38, chr9:108,906,372, plus strand): 5'-AGCTGTCCATGCTCTTCATCCATCTCAGAAGAAGCTGCAGTCAAATGGTGAATGACAGAC[C>CG]GGGGGCTGAACTCACTGTGGCTTACAGCCAGGAAGACGTCTTCTTCAATCCAAGTGAGAA-3'

ClinVar aggregate classification (germline): Likely pathogenic (1 of 4 stars; one submission).

Conditions:
Familial dysautonomia. Also called: HSAN III; FD. Identifiers: Orphanet 1764, MedGen C0013364, MONDO:0009131, OMIM 223900. Disease mechanism: loss of function.

Submission:

Natera, Inc.
Classification: Likely pathogenic for Familial dysautonomia. Last evaluated: 2026-01-05. Review status: criteria provided, single submitter. Criteria: Natera Variant Classification Schema (03/2026). Collection method: clinical testing. Allele origin: germline.
Comment: The c.1573dupC variant in ELP1 is a frameshift variant predicted to shift the reading frame beginning at codon 525 and leads to a stop codon 13 codons downstream. This variant is expected to result in nonsense mediated decay, truncation, or a dysfunctional protein product. This variant is rare in the general population with a frequency below the threshold expected for the associated phenotype(s). Given the available evidence, this variant is classified as Likely Pathogenic.